The following is an entry in ClinVar:

NC_000016.9:g.(?_2135165)_(2138160_?)del

Gene: TSC2 (TSC complex subunit 2; plus strand). Cytogenetic location: 16p13.3.
Variant type: Deletion.
Identifiers: ClinVar variation 1067565 (VCV001067565.7).

ClinVar aggregate classification (germline): Likely pathogenic (1 of 4 stars; one submission).

Conditions:
Tuberous sclerosis 2 (TSC2). Identifiers: Orphanet 805, MedGen C1860707, MONDO:0013199, OMIM 613254.

Submission:

Labcorp Genetics (formerly Invitae), Labcorp
Classification: Likely pathogenic for Tuberous sclerosis 2. Last evaluated: 2020-04-11. Review status: criteria provided, single submitter. Criteria: Invitae Variant Classification Sherloc (09022015). Collection method: clinical testing. Allele origin: germline.
Comment: In summary, the currently available evidence indicates that the variant is pathogenic, but additional data are needed to prove that conclusively. Therefore, this variant has been classified as Likely Pathogenic. This variant disrupts the p.Glu1552 amino acid residue in TSC2. Other variant(s) that disrupt this residue have been determined to be pathogenic (PMID: 11112665, 22903760). This suggests that this residue is clinically significant, and that variants that disrupt this residue are likely to be disease-causing. This variant has not been reported in the literature in individuals with TSC2-related conditions. This variant is an in-frame deletion of the genomic region encompassing exon(s) 36-40 of the TSC2 gene. It preserves the integrity of the reading frame.

Literature cited by the submitters: PubMed 11112665; PubMed 22903760.